The following is an entry in ClinVar:

ClinVar aggregate classification (germline): Uncertain significance (1 of 4 stars; one submission).

Submission:

GeneDx
Classification: Uncertain significance. Last evaluated: 2024-08-14. Review status: criteria provided, single submitter. Criteria: GeneDx Variant Classification Process June 2021. Collection method: clinical testing. Allele origin: germline. Affected: yes.
Comment: Not observed at significant frequency in large population cohorts (gnomAD); In silico analysis supports that this missense variant has a deleterious effect on protein structure/function; Has not been previously published as pathogenic or benign to our knowledge

NM_000142.5(FGFR3):c.1597G>T (p.Gly533Trp)

Gene: FGFR3 (fibroblast growth factor receptor 3; plus strand). Cytogenetic location: 4p16.3.
Variant type: single nucleotide variant.
Coding change: c.1597G>T on transcript NM_000142.5 (MANE Select); coding-DNA position 1597, G replaced by T.
Protein change: p.Gly533Trp; replaces glycine 533 with tryptophan.
Molecular consequence: missense variant. On other transcripts: non-coding transcript variant (1).
Genome position (GRCh38, 1-based): chr4:1,805,621, G>T. VCF-style: chr4-1805621-G-T. GRCh37 (hg19) VCF-style: chr4-1807348-G-T.
Other names: c.1603G>T, p.Gly535Trp (NM_001163213.2); c.1600G>T, p.Gly534Trp (NM_001354809.2, NM_001354810.2); c.1261G>T, p.Gly421Trp (NM_022965.4); short protein forms G421W, G533W, G534W, G535W.
Identifiers: ClinVar variation 3731053 (VCV003731053.1).